The following is an entry in ClinVar:

NM_004333.6(BRAF):c.1898A>G (p.Tyr633Cys)

Gene: BRAF (B-Raf proto-oncogene, serine/threonine kinase; minus strand). Cytogenetic location: 7q34.
Variant type: single nucleotide variant.
Coding change: c.1898A>G on transcript NM_004333.6 (MANE Select); coding-DNA position 1898, A replaced by G.
Protein change: p.Tyr633Cys; replaces tyrosine 633 with cysteine.
Molecular consequence: missense variant.
Genome position (GRCh38, 1-based): chr7:140,749,381, T>C on the plus strand (A>G on the coding strand, the complement: BRAF is on the minus strand). VCF-style: chr7-140749381-T-C. GRCh37 (hg19) VCF-style: chr7-140449181-T-C.
Other names: c.1898A>G, p.Tyr633Cys (NM_001354609.2, NM_001378468.1, NM_001378474.1); c.2018A>G, p.Tyr673Cys (NM_001374244.1, NM_001374258.1); c.1907A>G, p.Tyr636Cys (NM_001378467.1); c.1832A>G, p.Tyr611Cys (NM_001378469.1); c.1796A>G, p.Tyr599Cys (NM_001378470.1); c.1787A>G, p.Tyr596Cys (NM_001378471.1); c.1742A>G, p.Tyr581Cys (NM_001378472.1, NM_001378473.1); c.1634A>G, p.Tyr545Cys (NM_001378475.1); short protein forms Y596C, Y611C, Y673C, Y545C, Y581C, Y633C, Y599C, Y636C.
Identifiers: ClinVar variation 1046282 (VCV001046282.8), dbSNP rs1797603824, ClinGen allele CA369541131.
Genomic context (GRCh38, chr7:140,749,381, plus strand): 5'-TGTCCAGTCATCAATTCATACAGAACAATTCCAAATGCATATACATCTGACTGAAAGCTG[T>C]ATGGATTTTTATCTTGCATTCTGATGACTTCTGGTGCCTGTTAGAACATACAAAGAAAAA-3'
Protein context (NP_004324.2, residues 623-643): EVIRMQDKNP[Tyr633Cys]SFQSDVYAFG

ClinVar aggregate classification (germline): Uncertain significance (1 of 4 stars; one submission).

Conditions:
RASopathy. Also called: rasopathies; Noonan spectrum disorder. Identifiers: Orphanet 536391, MedGen C5555857, MONDO:0021060.

Submission:

Labcorp Genetics (formerly Invitae), Labcorp
Classification: Uncertain significance for RASopathy. Last evaluated: 2020-05-14. Review status: criteria provided, single submitter. Criteria: Invitae Variant Classification Sherloc (09022015). Collection method: clinical testing. Allele origin: germline.
Comment: In summary, the available evidence is currently insufficient to determine the role of this variant in disease. Therefore, it has been classified as a Variant of Uncertain Significance. Algorithms developed to predict the effect of missense changes on protein structure and function (SIFT, PolyPhen-2, Align-GVGD) all suggest that this variant is likely to be disruptive, but these predictions have not been confirmed by published functional studies and their clinical significance is uncertain. This variant has not been reported in the literature in individuals with BRAF-related conditions. This variant is not present in population databases (ExAC no frequency). This sequence change replaces tyrosine with cysteine at codon 633 of the BRAF protein (p.Tyr633Cys). The tyrosine residue is highly conserved and there is a large physicochemical difference between tyrosine and cysteine.